The following is an entry in ClinVar:

NM_021619.3(PRDM12):c.1034C>T (p.Pro345Leu)

Gene: PRDM12 (PR/SET domain 12; plus strand). Cytogenetic location: 9q34.12.
Variant type: single nucleotide variant.
Coding change: c.1034C>T on transcript NM_021619.3 (MANE Select); coding-DNA position 1034, C replaced by T.
Protein change: p.Pro345Leu; replaces proline 345 with leucine.
Molecular consequence: missense variant.
Genome position (GRCh38, 1-based): chr9:130,681,599, C>T. VCF-style: chr9-130681599-C-T. GRCh37 (hg19) VCF-style: chr9-133556986-C-T.
Other names: short protein forms P345L.
Identifiers: ClinVar variation 1389503 (VCV001389503.7), dbSNP rs1484358479, ClinGen allele CA375245222.

ClinVar aggregate classification (germline): Uncertain significance (1 of 4 stars; one submission).

Conditions:
Congenital insensitivity to pain-hypohidrosis syndrome. Also called: HSAN VIII; Neuropathy, hereditary sensory and autonomic, type VIII. Identifiers: Orphanet 478664, MedGen C4225308, MONDO:0014662, OMIM 616488.

gnomAD v4.1: 12 of 983,042 alleles (0.0012%); highest among the groups gnomAD compares: Non-Finnish European, 0.0014%; no homozygotes.

Submission:

Labcorp Genetics (formerly Invitae), Labcorp
Classification: Uncertain significance for Congenital insensitivity to pain-hypohidrosis syndrome. Last evaluated: 2021-05-06. Review status: criteria provided, single submitter. Criteria: Invitae Variant Classification Sherloc (09022015). Collection method: clinical testing. Allele origin: germline.
Comment: This variant has not been reported in the literature in individuals with PRDM12-related conditions. The frequency data for this variant in the population databases is considered unreliable, as metrics indicate insufficient coverage at this position in the ExAC database. This sequence change replaces proline with leucine at codon 345 of the PRDM12 protein (p.Pro345Leu). The proline residue is weakly conserved and there is a moderate physicochemical difference between proline and leucine. In summary, the available evidence is currently insufficient to determine the role of this variant in disease. Therefore, it has been classified as a Variant of Uncertain Significance. Algorithms developed to predict the effect of missense changes on protein structure and function are either unavailable or do not agree on the potential impact of this missense change (SIFT: "Tolerated"; PolyPhen-2: "Not Available"; Align-GVGD: "Class C0").